The following is an entry in ClinVar:

ClinVar aggregate classification (germline): Uncertain significance (1 of 4 stars; one submission).

Conditions:
Chédiak-Higashi syndrome (CHS). Also called: Chediak-Higashi Syndrome. Identifiers: Orphanet 167, MedGen C0007965, MONDO:0008963, OMIM 214500.

Allele frequency attached by ClinVar (database versions not stated): TOPMed 0.00002; gnomAD exomes 0.00003; ExAC 0.00004.

Submission:

Labcorp Genetics (formerly Invitae), Labcorp
Classification: Uncertain significance for Chédiak-Higashi syndrome. Last evaluated: 2025-11-11. Review status: criteria provided, single submitter. Criteria: Invitae Variant Classification Sherloc (09022015). Collection method: clinical testing. Allele origin: germline.
Comment: This sequence change replaces proline, which is neutral and non-polar, with serine, which is neutral and polar, at codon 216 of the LYST protein (p.Pro216Ser). This variant is present in population databases (rs750980551, gnomAD 0.1%). This variant has not been reported in the literature in individuals affected with LYST-related conditions. ClinVar contains an entry for this variant (Variation ID: 657755). Invitae Evidence Modeling of protein sequence and biophysical properties (such as structural, functional, and spatial information, amino acid conservation, physicochemical variation, residue mobility, and thermodynamic stability) indicates that this missense variant is not expected to disrupt LYST protein function with a negative predictive value of 80%. In summary, the available evidence is currently insufficient to determine the role of this variant in disease. Therefore, it has been classified as a Variant of Uncertain Significance.

NM_000081.4(LYST):c.646C>T (p.Pro216Ser)

Gene: LYST (lysosomal trafficking regulator; minus strand). Cytogenetic location: 1q42.3.
Variant type: single nucleotide variant.
Coding change: c.646C>T on transcript NM_000081.4 (MANE Select); coding-DNA position 646, C replaced by T.
Protein change: p.Pro216Ser; replaces proline 216 with serine.
Molecular consequence: missense variant.
Genome position (GRCh38, 1-based): chr1:235,810,172, G>A on the plus strand (C>T on the coding strand, the complement: LYST is on the minus strand). VCF-style: chr1-235810172-G-A. GRCh37 (hg19) VCF-style: chr1-235973472-G-A.
Other names: c.646C>T, p.Pro216Ser (NM_001301365.1); short protein forms P216S.
Identifiers: ClinVar variation 657755 (VCV000657755.9), dbSNP rs750980551, ClinGen allele CA1467587.
Genomic context (GRCh38, chr1:235,810,172, plus strand): 5'-CAGTGTTTGACCCCTGTCTTGGAATAATCTCTCTGGAATTTTCCAAAGCCATAGCATCTG[G>A]AGGAGTCTGTTCTTTGGTTGCTAAGCGGTCAAGTTTAGCTTTGGGGTGGTCTTGTTTAGG-3'
Protein context (NP_000072.2, residues 206-226): DRLATKEQTP[Pro216Ser]DAMALENSRE